The following is an entry in ClinVar:

ClinVar aggregate classification (germline): Uncertain significance (1 of 4 stars; one submission).

Conditions:
Dilated cardiomyopathy 1O (CMD1O). Also called: CARDIOMYOPATHY, DILATED, WITH VENTRICULAR TACHYCARDIA. Identifiers: Orphanet 154, MedGen C1837839, MONDO:0012062, OMIM 608569.

Allele frequency attached by ClinVar (database versions not stated): gnomAD exomes below 0.00001; TOPMed below 0.00001; ExAC 0.00001.
gnomAD v4.1: 7 of 1,613,866 alleles (0.00043%); highest among the groups gnomAD compares: East Asian, 0.0022%; no homozygotes.

Submission:

Labcorp Genetics (formerly Invitae), Labcorp
Classification: Uncertain significance for Dilated cardiomyopathy 1O. Last evaluated: 2024-04-08. Review status: criteria provided, single submitter. Criteria: Invitae Variant Classification Sherloc (09022015). Collection method: clinical testing. Allele origin: germline.
Comment: This sequence change replaces arginine, which is basic and polar, with glutamine, which is neutral and polar, at codon 824 of the ABCC9 protein (p.Arg824Gln). This variant is present in population databases (rs755951253, gnomAD 0.01%). This variant has not been reported in the literature in individuals affected with ABCC9-related conditions. ClinVar contains an entry for this variant (Variation ID: 1375813). Advanced modeling of protein sequence and biophysical properties (such as structural, functional, and spatial information, amino acid conservation, physicochemical variation, residue mobility, and thermodynamic stability) performed at Invitae indicates that this missense variant is expected to disrupt ABCC9 protein function with a positive predictive value of 95%. In summary, the available evidence is currently insufficient to determine the role of this variant in disease. Therefore, it has been classified as a Variant of Uncertain Significance.

NM_020297.4(ABCC9):c.2471G>A (p.Arg824Gln)

Gene: ABCC9 (ATP binding cassette subfamily C member 9; minus strand). Cytogenetic location: 12p12.1.
Variant type: single nucleotide variant.
Coding change: c.2471G>A on transcript NM_020297.4 (MANE Select); coding-DNA position 2471, G replaced by A.
Protein change: p.Arg824Gln; replaces arginine 824 with glutamine.
Molecular consequence: missense variant.
Genome position (GRCh38, 1-based): chr12:21,859,620, C>T on the plus strand (G>A on the coding strand, the complement: ABCC9 is on the minus strand). VCF-style: chr12-21859620-C-T. GRCh37 (hg19) VCF-style: chr12-22012554-C-T.
Other names: c.2471G>A, p.Arg824Gln (NM_001377273.1, NM_005691.4); c.1604G>A, p.Arg535Gln (NM_001377274.1); short protein forms R535Q, R824Q.
Identifiers: ClinVar variation 1375813 (VCV001375813.6), dbSNP rs755951253, ClinGen allele CA6481363.